The following is an entry in ClinVar:

NC_000017.11:g.(?_3647444)_(3658175_?)del

Genes: CTNS (cystinosin, lysosomal cystine transporter; plus strand), CTNS-AS1 (CTNS antisense RNA 1; minus strand). Cytogenetic location: 17p13.2.
Variant type: Deletion.
Identifiers: ClinVar variation 584155 (VCV000584155.4).

ClinVar aggregate classification (germline): Pathogenic. Review status: criteria provided, single submitter (1 of 4 stars). 2 submissions from 1 submitter: Pathogenic (2). Last evaluated 2017-08-29.

Conditions:
Juvenile nephropathic cystinosis. Also called: Intermediate Cystinosis; Later-Onset (Juvenile) Cystinosis; CYSTINOSIS, LATE-ONSET JUVENILE OR ADOLESCENT NEPHROPATHIC TYPE. Identifiers: Orphanet 213, Orphanet 411634, MedGen C0268626, MONDO:0009066, OMIM 219900.
Inborn genetic diseases. Identifiers: MedGen C0950123, MeSH D030342.
Ocular cystinosis. Also called: Non-Nephropathic (Ocular) Cystinosis; Non-Nephropathic Cystinosis. Identifiers: Orphanet 213, Orphanet 411641, MedGen C2931013, MONDO:0009064, OMIM 219750.
Nephropathic cystinosis (CTNS). Also called: Abderhalden Lignac Kaufmann disease; Abderhalden-Kaufmann-Lignac syndrome; CYSTINOSIN, DEFECT OF; LYSOSOMAL CYSTINE TRANSPORT PROTEIN, DEFECT OF. Identifiers: Orphanet 213, Orphanet 411629, MedGen C2931187, MONDO:0100151, OMIM 219800.

Submissions (2):

Labcorp Genetics (formerly Invitae), Labcorp
Classification: Pathogenic for Nephropathic cystinosis; Ocular cystinosis; Juvenile nephropathic cystinosis. Last evaluated: 2017-08-29. Review status: criteria provided, single submitter. Criteria: Invitae Variant Classification Sherloc (09022015). Collection method: clinical testing. Allele origin: germline.
Comment: This variant is an out-of-frame deletion of the genomic region encompassing exons 3-10 of the CTNS gene. This is expected to create a premature translational stop signal and result in an absent or disrupted protein product. This variant has not been reported in the literature in individuals with CTNS-related disease. Loss-of-function variants in CTNS are known to be pathogenic (PMID: 9537412, 27102039). For these reasons, this variant has been classified as Pathogenic.

Labcorp Genetics (formerly Invitae), Labcorp
Classification: Pathogenic for Inborn genetic diseases; Ocular cystinosis; Juvenile nephropathic cystinosis. Last evaluated: 2017-07-26. Review status: criteria provided, single submitter. Criteria: Invitae Variant Classification Sherloc (09022015). Collection method: clinical testing. Allele origin: germline.
Comment: the same text as in the submission from Labcorp Genetics (formerly Invitae), Labcorp above.

Literature cited by the submitters: PubMed 9537412; PubMed 27102039.